The following is an entry in ClinVar:

NM_006267.5(RANBP2):c.8177C>G (p.Ala2726Gly)

Gene: RANBP2 (RAN binding protein 2; plus strand). Cytogenetic location: 2q13.
Variant type: single nucleotide variant.
Coding change: c.8177C>G on transcript NM_006267.5 (MANE Select); coding-DNA position 8177, C replaced by G.
Protein change: p.Ala2726Gly; replaces alanine 2726 with glycine.
Molecular consequence: missense variant.
Genome position (GRCh38, 1-based): chr2:108,772,931, C>G. VCF-style: chr2-108772931-C-G. GRCh37 (hg19) VCF-style: chr2-109389387-C-G.
Other names: short protein forms A2726G.
Identifiers: ClinVar variation 1046769 (VCV001046769.9), dbSNP rs148910172, ClinGen allele CA1823776.
Genomic context (GRCh38, chr2:108,772,931, plus strand): 5'-ATGAGAAAGAATGTATTATTGTTTGGGAAAAGAAACCAACAGTTGAAGAGAAGGCAAAAG[C>G]AGATACGTTAAAACTTCCACCTACATTTTTTTGTGGAGTCTGTAGTGATACTGATGAAGA-3'
Protein context (NP_006258.3, residues 2716-2736): KKPTVEEKAK[Ala2726Gly]DTLKLPPTFF

ClinVar aggregate classification (germline): Uncertain significance (1 of 4 stars; one submission).

Conditions:
Familial acute necrotizing encephalopathy (IIAE3). Also called: ENCEPHALOPATHY, ACUTE, INFECTION-INDUCED, SUSCEPTIBILITY TO, 3; Susceptibility to Acute Necrotizing Encephalopathy 1. Identifiers: Orphanet 88619, MedGen C2675556, MONDO:0011953, OMIM 608033.

Allele frequency attached by ClinVar (database versions not stated): TOPMed 0.00002; gnomAD 0.00003; ExAC 0.00004; gnomAD exomes 0.00004 and 0.00008; ESP Exome Variant Server 0.00008.
gnomAD v4.1: 122 of 1,613,920 alleles (0.0076%); highest among the groups gnomAD compares: Non-Finnish European, 0.01%; no homozygotes.

Submission:

Labcorp Genetics (formerly Invitae), Labcorp
Classification: Uncertain significance for Familial acute necrotizing encephalopathy. Last evaluated: 2020-06-25. Review status: criteria provided, single submitter. Criteria: Invitae Variant Classification Sherloc (09022015). Collection method: clinical testing. Allele origin: germline.
Comment: In summary, the available evidence is currently insufficient to determine the role of this variant in disease. Therefore, it has been classified as a Variant of Uncertain Significance. Algorithms developed to predict the effect of missense changes on protein structure and function (SIFT, PolyPhen-2, Align-GVGD) all suggest that this variant is likely to be disruptive, but these predictions have not been confirmed by published functional studies and their clinical significance is uncertain. This variant has not been reported in the literature in individuals with RANBP2-related conditions. This variant is present in population databases (rs148910172, ExAC 0.008%). This sequence change replaces alanine with glycine at codon 2726 of the RANBP2 protein (p.Ala2726Gly). The alanine residue is highly conserved and there is a small physicochemical difference between alanine and glycine.